The following is an entry in ClinVar:

NM_015141.4(GPD1L):c.1054T>C (p.Ter352Gln)

Gene: GPD1L (glycerol-3-phosphate dehydrogenase 1 like; plus strand). Cytogenetic location: 3p22.3.
Variant type: single nucleotide variant.
Coding change: c.1054T>C on transcript NM_015141.4 (MANE Select); coding-DNA position 1054, T replaced by C.
Protein change: p.Ter352Gln.
Molecular consequence: stop lost.
Genome position (GRCh38, 1-based): chr3:32,165,908, T>C. VCF-style: chr3-32165908-T-C. GRCh37 (hg19) VCF-style: chr3-32207400-T-C.
Identifiers: ClinVar variation 4265540 (VCV004265540.1).
Genomic context (GRCh38, chr3:32,165,908, plus strand): 5'-TACGAAAGCAGACCAGTTCAAGAGATGTTGTCTTGTCTTCAGAGCCATCCAGAGCATACA[T>C]AAAGTGAATCATGCAACGTGTTGGGGGAAGTTCTGCCTTTCTGATCAATCTTTTGGGTTC-3'

ClinVar aggregate classification (germline): Uncertain significance (1 of 4 stars; one submission).

Conditions:
Cardiovascular phenotype. Identifiers: MedGen CN230736.

Submission:

Ambry Genetics
Classification: Uncertain significance for Cardiovascular phenotype. Last evaluated: 2025-07-16. Review status: criteria provided, single submitter. Criteria: Ambry Variant Classification Scheme 2023. Collection method: clinical testing. Allele origin: germline.
Comment: The c.1054T>C variant (also known as p.*352Qext*14), located in coding exon 8 of the GPD1L gene, results from a T to C substitution at nucleotide position 1054. This alteration disrupts the stop codon of the GPD1L gene and is predicted to preserve the native sequence while resulting in the elongation of the protein by 14 amino acids. The exact functional effect of the additional amino acids is unknown. The evidence for this gene-disease relationship is limited; therefore, the clinical significance of this alteration is unclear.